The following is an entry in ClinVar:

NM_012414.4(RAB3GAP2):c.2473C>G (p.Arg825Gly)

Gene: RAB3GAP2 (RAB3 GTPase activating non-catalytic protein subunit 2; minus strand). Cytogenetic location: 1q41.
Variant type: single nucleotide variant.
Coding change: c.2473C>G on transcript NM_012414.4 (MANE Select); coding-DNA position 2473, C replaced by G.
Protein change: p.Arg825Gly; replaces arginine 825 with glycine.
Molecular consequence: missense variant.
Genome position (GRCh38, 1-based): chr1:220,171,993, G>C on the plus strand (C>G on the coding strand, the complement: RAB3GAP2 is on the minus strand). VCF-style: chr1-220171993-G-C. GRCh37 (hg19) VCF-style: chr1-220345335-G-C.
Other names: short protein forms R825G.
Identifiers: ClinVar variation 935990 (VCV000935990.9), dbSNP rs374334249, ClinGen allele CA344638836.

ClinVar aggregate classification (germline): Uncertain significance (1 of 4 stars; one submission).

Conditions:
Martsolf syndrome (MARTS). Also called: Congenital cataract with intellectual disability and hypogonadotropic hypogonadism syndrome. Identifiers: Orphanet 1387, MedGen C0796037, MONDO:0023910.
Warburg micro syndrome 2 (WARBM2). Also called: MICRO SYNDROME 2. Identifiers: Orphanet 2510, MedGen C3280214, MONDO:0013641, OMIM 614225.

gnomAD v4.1: 2 of 1,614,152 alleles (0.00012%); highest among the groups gnomAD compares: Admixed American, 0.0017%; no homozygotes.

Submission:

Labcorp Genetics (formerly Invitae), Labcorp
Classification: Uncertain significance for Martsolf syndrome; Warburg micro syndrome 2. Last evaluated: 2019-09-05. Review status: criteria provided, single submitter. Criteria: Invitae Variant Classification Sherloc (09022015). Collection method: clinical testing. Allele origin: germline.
Comment: In summary, the available evidence is currently insufficient to determine the role of this variant in disease. Therefore, it has been classified as a Variant of Uncertain Significance. Algorithms developed to predict the effect of missense changes on protein structure and function are either unavailable or do not agree on the potential impact of this missense change (SIFT: "Deleterious"; PolyPhen-2: "Probably Damaging"; Align-GVGD: "Class C0"). This variant has not been reported in the literature in individuals with RAB3GAP2-related conditions. This variant is not present in population databases (ExAC no frequency). This sequence change replaces arginine with glycine at codon 825 of the RAB3GAP2 protein (p.Arg825Gly). The arginine residue is moderately conserved and there is a moderate physicochemical difference between arginine and glycine.